The following is an entry in ClinVar:

NM_019892.6(INPP5E):c.915C>T (p.Thr305=)

Gene: INPP5E (inositol polyphosphate-5-phosphatase E; minus strand). Cytogenetic location: 9q34.3.
Variant type: single nucleotide variant.
Coding change: c.915C>T on transcript NM_019892.6 (MANE Select); coding-DNA position 915, C replaced by T.
Protein change: p.Thr305=; no amino-acid change (threonine 305 retained).
Molecular consequence: synonymous variant.
Genome position (GRCh38, 1-based): chr9:136,434,761, G>A on the plus strand (C>T on the coding strand, the complement: INPP5E is on the minus strand). VCF-style: chr9-136434761-G-A. GRCh37 (hg19) VCF-style: chr9-139329213-G-A.
Other names: c.915C>T, p.Thr305= (NM_001318502.2); c.915C>T (NM_019892.5).
Identifiers: ClinVar variation 1982333 (VCV001982333.6), dbSNP rs1026542940, ClinGen allele CA201644733.

ClinVar aggregate classification (germline): Likely benign. Review status: criteria provided, single submitter (1 of 4 stars). 2 submissions from 2 submitters: Likely benign (1). 1 of the submissions does not count toward it. Last evaluated 2022-08-16.

Conditions:
INPP5E-related disorder. Also called: INPP5E-related condition.
Joubert syndrome. Also called: CEREBELLOPARENCHYMAL DISORDER IV; JOUBERT-BOLTSHAUSER SYNDROME; Familial aplasia of the vermis. Identifiers: Orphanet 475, MedGen C5979921, MONDO:0018772.

Allele frequency attached by ClinVar (database versions not stated): gnomAD exomes below 0.00001; gnomAD 0.00001; TOPMed 0.00001.
gnomAD v4.1: 8 of 1,604,290 alleles (0.0005%); highest among the groups gnomAD compares: Non-Finnish European, 0.00068%; no homozygotes.

Submissions (2):

Labcorp Genetics (formerly Invitae), Labcorp
Classification: Likely benign for Joubert syndrome. Last evaluated: 2022-08-16. Review status: criteria provided, single submitter. Criteria: Invitae Variant Classification Sherloc (09022015). Collection method: clinical testing. Allele origin: germline.

PreventionGenetics, part of Exact Sciences
Classification: Likely benign for INPP5E-related condition. Last evaluated: 2021-10-22. Review status: no assertion criteria provided. Collection method: clinical testing. Allele origin: germline. Not counted in ClinVar's aggregate classification.
Comment: This variant is classified as likely benign based on ACMG/AMP sequence variant interpretation guidelines (Richards et al. 2015 PMID: 25741868, with internal and published modifications).